The following is an entry in ClinVar:

NM_000252.3(MTM1):c.1405C>A (p.His469Asn)

Gene: MTM1 (myotubularin 1; plus strand). Cytogenetic location: Xq28.
Variant type: single nucleotide variant.
Coding change: c.1405C>A on transcript NM_000252.3 (MANE Select); coding-DNA position 1405, C replaced by A.
Protein change: p.His469Asn; replaces histidine 469 with asparagine.
Molecular consequence: missense variant.
Genome position (GRCh38, 1-based): chrX:150,660,422, C>A. VCF-style: chrX-150660422-C-A. GRCh37 (hg19) VCF-style: chrX-149828895-C-A.
Other names: c.1405C>A, p.His469Asn (NM_001376906.1, NM_001376908.1); c.1294C>A, p.His432Asn (NM_001376907.1); short protein forms H432N, H469N.
Identifiers: ClinVar variation 4688818 (VCV004688818.1).

ClinVar aggregate classification (germline): Uncertain significance (1 of 4 stars; one submission).

Submission:

Women's Health and Genetics/Laboratory Corporation of America, LabCorp
Classification: Uncertain significance. Last evaluated: 2025-12-26. Review status: criteria provided, single submitter. Criteria: LabCorp Variant Classification Summary - May 2015. Collection method: clinical testing. Allele origin: germline.
Comment: Variant summary: MTM1 c.1405C>A (p.His469Asn) results in a conservative amino acid change in the encoded protein sequence. Algorithms developed to predict the effect of missense changes on protein structure and function are either unavailable or do not agree on the potential impact of this missense change. The variant was absent in 182909 control chromosomes. The available data on variant occurrences in the general population are insufficient to allow any conclusion about variant significance. To our knowledge, no occurrence of c.1405C>A in individuals affected with MTM1-related conditions and no experimental evidence demonstrating its impact on protein function have been reported. No submitters have cited clinical-significance assessments for this variant to ClinVar. Based on the evidence outlined above, the variant was classified as uncertain significance.